The following is an entry in ClinVar:

NM_000059.4(BRCA2):c.7007+116TTTATAAAA[3]

Gene: BRCA2 (BRCA2 DNA repair associated; plus strand). Cytogenetic location: 13q13.1.
Variant type: Microsatellite.
Coding change: c.7007+116TTTATAAAA[3] on transcript NM_000059.4 (MANE Select); three copies in a row of the 9-base unit TTTATAAAA starting at c.7007+116.
Molecular consequence: intron variant.
Genome position: GRCh38 VCF-style: chr13-32347011-T-TTTTATAAAA. GRCh37 (hg19) VCF-style: chr13-32921148-T-TTTTATAAAA.
Other names: IVS 13+115insTTTATAAAA; c.7007+126_7007+134dup (NM_000059.3).
Identifiers: ClinVar variation 264929 (VCV000264929.4), dbSNP rs11571680, ClinGen allele CA276684.

ClinVar aggregate classification (germline): Benign. Review status: reviewed by expert panel (3 of 4 stars). 2 submissions from 2 submitters: Benign (1). 1 of the submissions does not count toward it. Last evaluated 2016-09-28.

Conditions:
Breast-ovarian cancer, familial, susceptibility to, 2 (BROVCA2). Also called: BRCA2 Hereditary Breast and Ovarian Cancer. Identifiers: Orphanet 145, MedGen C2675520, MONDO:0012933, OMIM 612555. Disease mechanism: loss of function.

Submissions (2):

Evidence-based Network for the Interpretation of Germline Mutant Alleles (ENIGMA)
Classification: Benign for Breast-ovarian cancer, familial, susceptibility to, 2. Last evaluated: 2016-09-28. Review status: reviewed by expert panel. Criteria: ENIGMA BRCA1/2 Classification Criteria (2015). Collection method: curation. Allele origin: germline.
Comment: Class 1 not pathogenic based on frequency >1% in an outbred sampleset. Frequency 0.0348 (European), 0.0325 (African), 0.0922 (Admixed American/Latino), 0.0962 (East Asian), 0.1339 (South Asian), derived from 1000 genomes (2013-05-02).

GeneDx
Classification: Likely benign. Last evaluated: 2018-06-30. Review status: criteria provided, single submitter. Criteria: GeneDx Variant Classification Process June 2021. Collection method: clinical testing. Allele origin: germline. Affected: yes. Not counted in ClinVar's aggregate classification.